The following is an entry in ClinVar:

ClinVar aggregate classification (germline): Uncertain significance. Review status: criteria provided, multiple submitters, no conflicts (2 of 4 stars). 4 submissions from 4 submitters: Uncertain significance (4). Last evaluated 2025-07-23.

Conditions:
Hereditary cancer-predisposing syndrome. Also called: Tumor predisposition; Hereditary Cancer Syndrome; Hereditary neoplastic syndrome; Neoplastic Syndromes, Hereditary. Identifiers: Orphanet 140162, MedGen C0027672, MeSH D009386, MONDO:0015356.
Familial meningioma. Also called: Meningioma, familial, susceptibility to. Identifiers: Orphanet 263662, MedGen C3551915, MONDO:0011789, OMIM 607174.
Neurofibromatosis, type 2 (SWNV). Also called: SCHWANNOMATOSIS, VESTIBULAR; NF2-Related Schwannomatosis; BILATERAL ACOUSTIC NEUROFIBROMATOSIS. Identifiers: Orphanet 637, MedGen C0027832, MONDO:0007039, OMIM 101000. Disease mechanism: loss of function.

Allele frequency attached by ClinVar (database versions not stated): gnomAD exomes below 0.00001; gnomAD 0.00001; TOPMed 0.00001.
gnomAD v4.1: 3 of 1,574,626 alleles (0.00019%); highest among the groups gnomAD compares: Non-Finnish European, 0.00026%; no homozygotes.

Submissions (4):

Color Diagnostics, LLC DBA Color Health
Classification: Uncertain significance for Neurofibromatosis, type 2. Last evaluated: 2025-07-23. Review status: criteria provided, single submitter. Criteria: ACMG Guidelines, 2015. Collection method: clinical testing. Allele origin: germline.
Comment: This missense variant replaces arginine with glycine at codon 466 of the NF2 protein. Computational prediction is inconclusive regarding the impact of this variant on protein structure and function. To our knowledge, functional studies have not been reported for this variant. This variant has not been reported in individuals affected with NF2-related disorders in the literature. This variant has not been identified in the general population by the Genome Aggregation Database (gnomAD). The available evidence is insufficient to determine the role of this variant in disease conclusively. Therefore, this variant is classified as a Variant of Uncertain Significance.

Labcorp Genetics (formerly Invitae), Labcorp
Classification: Uncertain significance for Neurofibromatosis, type 2. Last evaluated: 2024-12-12. Review status: criteria provided, single submitter. Criteria: Invitae Variant Classification Sherloc (09022015). Collection method: clinical testing. Allele origin: germline.
Comment: This sequence change replaces arginine, which is basic and polar, with glycine, which is neutral and non-polar, at codon 466 of the NF2 protein (p.Arg466Gly). This variant is not present in population databases (gnomAD no frequency). This variant has not been reported in the literature in individuals affected with NF2-related conditions. ClinVar contains an entry for this variant (Variation ID: 412212). Invitae Evidence Modeling of protein sequence and biophysical properties (such as structural, functional, and spatial information, amino acid conservation, physicochemical variation, residue mobility, and thermodynamic stability) has been performed for this missense variant. However, the output from this modeling did not meet the statistical confidence thresholds required to predict the impact of this variant on NF2 protein function. In summary, the available evidence is currently insufficient to determine the role of this variant in disease. Therefore, it has been classified as a Variant of Uncertain Significance.

Ambry Genetics
Classification: Uncertain significance for Hereditary cancer-predisposing syndrome. Last evaluated: 2023-12-04. Review status: criteria provided, single submitter. Criteria: Ambry Variant Classification Scheme 2023. Collection method: clinical testing. Allele origin: germline.
Comment: The p.R466G variant (also known as c.1396C>G), located in coding exon 13 of the NF2 gene, results from a C to G substitution at nucleotide position 1396. The arginine at codon 466 is replaced by glycine, an amino acid with dissimilar properties. This amino acid position is highly conserved in available vertebrate species. In addition, this alteration is predicted to be deleterious by in silico analysis. Since supporting evidence is limited at this time, the clinical significance of this alteration remains unclear.

Baylor Genetics
Classification: Uncertain significance for Familial meningioma. Last evaluated: 2023-08-09. Review status: criteria provided, single submitter. Criteria: ACMG Guidelines, 2015. Collection method: clinical testing. Allele origin: unknown.

NM_000268.4(NF2):c.1396C>G (p.Arg466Gly)

Gene: NF2 (NF2, moesin-ezrin-radixin like (MERLIN) tumor suppressor; plus strand). Cytogenetic location: 22q12.2.
Variant type: single nucleotide variant.
Coding change: c.1396C>G on transcript NM_000268.4 (MANE Select); coding-DNA position 1396, C replaced by G.
Protein change: p.Arg466Gly; replaces arginine 466 with glycine.
Molecular consequence: missense variant. On other transcripts: non-coding transcript variant (1), intron variant (1).
Genome position (GRCh38, 1-based): chr22:29,674,891, C>G. VCF-style: chr22-29674891-C-G. GRCh37 (hg19) VCF-style: chr22-30070880-C-G.
Other names: c.1396C>G, p.Arg466Gly (NM_016418.5, NM_181825.3, NM_181832.3); c.1270C>G, p.Arg424Gly (NM_181828.3); c.1273C>G, p.Arg425Gly (NM_181829.3); c.1147C>G, p.Arg383Gly (NM_181830.3, NM_181831.3); c.448-19861C>G (NM_181833.3); short protein forms R466G, R383G, R425G, R424G.
Identifiers: ClinVar variation 412212 (VCV000412212.10), dbSNP rs74315504, ClinGen allele CA16616585.